The following is an entry in ClinVar:

ClinVar aggregate classification (germline): Pathogenic. Review status: criteria provided, multiple submitters, no conflicts (2 of 4 stars). 2 submissions from 2 submitters: Pathogenic (2). Last evaluated 2025-02-16.

Conditions:
Neurofibromatosis, type 1 (NF1). Also called: VON RECKLINGHAUSEN DISEASE; NEUROFIBROMATOSIS, TYPE I, SOMATIC; Peripheral type neurofibromatosis; Neurofibromatosis, type I. Identifiers: Orphanet 636, MedGen C0027831, MONDO:0018975, OMIM 162200. Disease mechanism: loss of function.

Submissions (2):

Laboratory of Genetics, Children's Clinical University Hospital Latvia
Classification: Pathogenic. Last evaluated: 2025-02-16. Review status: criteria provided, single submitter. Criteria: ACMG Guidelines, 2015. Collection method: clinical testing. Allele origin: germline. Affected: yes.

Labcorp Genetics (formerly Invitae), Labcorp
Classification: Pathogenic for Neurofibromatosis, type 1. Last evaluated: 2024-04-09. Review status: criteria provided, single submitter. Criteria: Invitae Variant Classification Sherloc (09022015). Collection method: clinical testing. Allele origin: germline.
Comment: This sequence change creates a premature translational stop signal (p.Gln452*) in the NF1 gene. It is expected to result in an absent or disrupted protein product. Loss-of-function variants in NF1 are known to be pathogenic (PMID: 10712197, 23913538). This variant is not present in population databases (gnomAD no frequency). This variant has not been reported in the literature in individuals affected with NF1-related conditions. ClinVar contains an entry for this variant (Variation ID: 527463). For these reasons, this variant has been classified as Pathogenic.

Literature cited by the submitters: PubMed 10712197 (cited by Labcorp Genetics (formerly Invitae), Labcorp); PubMed 23913538 (cited by Labcorp Genetics (formerly Invitae), Labcorp).

NM_001042492.3(NF1):c.1354C>T (p.Gln452Ter)

Gene: NF1 (neurofibromin 1; plus strand). Cytogenetic location: 17q11.2.
Variant type: single nucleotide variant.
Coding change: c.1354C>T on transcript NM_001042492.3 (MANE Select); coding-DNA position 1354, C replaced by T.
Protein change: p.Gln452Ter; replaces glutamine 452 with a stop codon.
Molecular consequence: nonsense.
Genome position (GRCh38, 1-based): chr17:31,206,333, C>T. VCF-style: chr17-31206333-C-T. GRCh37 (hg19) VCF-style: chr17-29533351-C-T.
Other names: c.1354C>T, p.Gln452Ter (NM_000267.4, NM_001128147.3); short protein forms Q452*.
Identifiers: ClinVar variation 527463 (VCV000527463.6), dbSNP rs1555611590, ClinGen allele CA398999651.
Genomic context (GRCh38, chr17:31,206,333, plus strand): 5'-GTGTATTGTCACTCGGTTGAACTTCGAAATATGTTTGGTGAAACACTTCATAAAGCAGTG[C>T]AAGGTTGTGGAGCACACCCAGCAATACGAATGGCACCGGTAAGATAAATCACGAATTTTG-3'